The following is an entry in ClinVar:

NM_000540.3(RYR1):c.8024C>A (p.Thr2675Lys)

Gene: RYR1 (ryanodine receptor 1; plus strand). Cytogenetic location: 19q13.2.
Variant type: single nucleotide variant.
Coding change: c.8024C>A on transcript NM_000540.3 (MANE Select); coding-DNA position 8024, C replaced by A.
Protein change: p.Thr2675Lys; replaces threonine 2675 with lysine.
Molecular consequence: missense variant.
Genome position (GRCh38, 1-based): chr19:38,504,317, C>A. VCF-style: chr19-38504317-C-A. GRCh37 (hg19) VCF-style: chr19-38994957-C-A.
Other names: c.8024C>A, p.Thr2675Lys (NM_001042723.2); short protein forms T2675K.
Identifiers: ClinVar variation 692287 (VCV000692287.3), dbSNP rs1600843056, ClinGen allele CA405676016.

ClinVar aggregate classification (germline): Likely pathogenic. Review status: criteria provided, multiple submitters, no conflicts (2 of 4 stars). 2 submissions from 2 submitters: Likely pathogenic (2). Last evaluated 2024-03-01.

Conditions:
Centronuclear myopathy (CNM). Also called: Centronuclear myopathy, congenital; Myotubular myopathy. Identifiers: Orphanet 595, MedGen C0175709, MONDO:0018947. Inheritance: All.
Arthrogryposis multiplex congenita (AMC). Also called: Congenital multiple arthrogryposis; Fibrous ankylosis of multiple joints; Congenital arthromyodysplasia; Myodystrophia fetalis deformans; Otto syndrome; Rocher-Sheldon syndrome. Identifiers: Orphanet 1037, MedGen C5779613, MeSH D001176, MONDO:0015168, HP:0002804.
Fetal akinesia deformation sequence 1 (FADS1). Also called: Pena-Shokeir syndrome type I; Fetal akinesia sequence. Identifiers: Orphanet 994, MedGen C1276035, MONDO:0100101, OMIM 208150, HP:0001989.

Submissions (2):

Muscle and Diseases Team, Institut de Génétique et Biologie Moléculaire et Cellulaire
Classification: Likely pathogenic for Centronuclear myopathy. Last evaluated: 2024-03-01. Review status: criteria provided, single submitter. Criteria: ACMG Guidelines, 2015. Collection method: research. Allele origin: unknown. Affected: yes. Observed: 1 variant allele.
Comment: PM2+PM3+PP2+PP3

Cirak Lab, University Hospital Cologne
Classification: Likely pathogenic for Arthrogryposis multiplex congenita; Fetal akinesia sequence. Last evaluated: 2019-06-28. Review status: criteria provided, single submitter. Criteria: ACMG Guidelines, 2015. Collection method: research. Allele origin: maternal. Affected: yes. Observed: 1 variant allele.

Literature cited by the submitters: DOI 10.1186/s13073-024-01353-0 (cited by Muscle and Diseases Team, Institut de Génétique et Biologie Moléculaire et Cellulaire); PubMed 28818389 (cited by Muscle and Diseases Team, Institut de Génétique et Biologie Moléculaire et Cellulaire); PubMed 31680123 (cited by Cirak Lab, University Hospital Cologne).